The following is an entry in ClinVar:

NM_015047.3(EMC1):c.1279G>C (p.Asp427His)

Genes: EMC1 (ER membrane protein complex subunit 1; minus strand), EMC1-AS1 (EMC1 antisense RNA 1; plus strand). Cytogenetic location: 1p36.13.
Variant type: single nucleotide variant.
Coding change: c.1279G>C on transcript NM_015047.3 (MANE Select); coding-DNA position 1279, G replaced by C.
Protein change: p.Asp427His; replaces aspartic acid 427 with histidine.
Molecular consequence: missense variant.
Genome position (GRCh38, 1-based): chr1:19,237,172, C>G on the plus strand (G>C on the coding strand, the complement: EMC1 is on the minus strand). VCF-style: chr1-19237172-C-G. GRCh37 (hg19) VCF-style: chr1-19563666-C-G.
Other names: c.1276G>C, p.Asp426His (NM_001271427.2, NM_001375821.1); c.1279G>C, p.Asp427His (NM_001271428.2, NM_001375820.1); c.1213G>C, p.Asp405His (NM_001271429.2); short protein forms D405H, D426H, D427H.
Identifiers: ClinVar variation 959358 (VCV000959358.7), dbSNP rs2093571600, ClinGen allele CA338765415.
Genomic context (GRCh38, chr1:19,237,172, plus strand): 5'-AAAAAAATGGGTTGAATGAGGTCTACTTACCCAACTGCTGCAGGAAAAGTAGCAGATGAT[C>G]CTCTGTCTGCACCAAAGCCCGGTAGCCCACTGAGTCATCCTTCTTCAAGAACACCTGGAT-3'
Protein context (NP_055862.1, residues 417-437): VGYRALVQTE[Asp427His]HLLLFLQQLA

ClinVar aggregate classification (germline): Uncertain significance (1 of 4 stars; one submission).

Submission:

Labcorp Genetics (formerly Invitae), Labcorp
Classification: Uncertain significance. Last evaluated: 2025-07-31. Review status: criteria provided, single submitter. Criteria: Invitae Variant Classification Sherloc (09022015). Collection method: clinical testing. Allele origin: germline.
Comment: This sequence change replaces aspartic acid, which is acidic and polar, with histidine, which is basic and polar, at codon 427 of the EMC1 protein (p.Asp427His). This variant is not present in population databases (gnomAD no frequency). This variant has not been reported in the literature in individuals affected with EMC1-related conditions. ClinVar contains an entry for this variant (Variation ID: 959358). Invitae Evidence Modeling of protein sequence and biophysical properties (such as structural, functional, and spatial information, amino acid conservation, physicochemical variation, residue mobility, and thermodynamic stability) indicates that this missense variant is expected to disrupt EMC1 protein function with a positive predictive value of 80%. In summary, the available evidence is currently insufficient to determine the role of this variant in disease. Therefore, it has been classified as a Variant of Uncertain Significance.